The following is an entry in ClinVar:

ClinVar aggregate classification (germline): Uncertain significance. Review status: criteria provided, multiple submitters, no conflicts (2 of 4 stars). 2 submissions from 2 submitters: Uncertain significance (2). Last evaluated 2024-05-16.

Conditions:
Autosomal dominant nonsyndromic hearing loss 6 (LFSNHL). Also called: Autosomal dominant nonsyndromic deafness 6; DEAFNESS, AUTOSOMAL DOMINANT 6; DEAFNESS, AUTOSOMAL DOMINANT 14; DEAFNESS, AUTOSOMAL DOMINANT 38. Identifiers: Orphanet 90635, MedGen C1833021, MONDO:0010963, OMIM 600965.
Wolfram-like syndrome. Also called: HEARING LOSS, PROGRESSIVE, WITH OPTIC ATROPHY AND/OR IMPAIRED GLUCOSE REGULATION. Identifiers: Orphanet 411590, MedGen C3280358, MONDO:0013673, OMIM 614296.
Cataract 41 (CTRCT41). Also called: CATARACT 41, CONGENITAL NUCLEAR TYPE. Identifiers: Orphanet 91492, Orphanet 98991, Orphanet 98992, Orphanet 98995, MedGen C3805412, MONDO:0007287, OMIM 116400.
Type 2 diabetes mellitus. Also called: Type II diabetes mellitus. Identifiers: MedGen C0011860, MeSH D003924, MONDO:0005148, OMIM 125853, HP:0005978.
Wolfram syndrome 1 (WFS1). Identifiers: Orphanet 3463, MedGen C4551693, MONDO:0009101, OMIM 222300.

gnomAD v4.1: 24 of 1,612,904 alleles (0.0015%); highest among the groups gnomAD compares: Non-Finnish European, 0.0019%; no homozygotes.

Submissions (2):

Fulgent Genetics
Classification: Uncertain significance for Cataract 41; Type 2 diabetes mellitus; Wolfram syndrome 1; Autosomal dominant nonsyndromic hearing loss 6; Wolfram-like syndrome. Last evaluated: 2024-05-16. Review status: criteria provided, single submitter. Criteria: ACMG Guidelines, 2015. Collection method: clinical testing. Allele origin: germline.

Labcorp Genetics (formerly Invitae), Labcorp
Classification: Uncertain significance. Last evaluated: 2023-12-10. Review status: criteria provided, single submitter. Criteria: Invitae Variant Classification Sherloc (09022015). Collection method: clinical testing. Allele origin: germline.
Comment: This sequence change replaces threonine, which is neutral and polar, with isoleucine, which is neutral and non-polar, at codon 686 of the WFS1 protein (p.Thr686Ile). This variant is present in population databases (rs762044038, gnomAD 0.004%). This variant has not been reported in the literature in individuals affected with WFS1-related conditions. Advanced modeling of protein sequence and biophysical properties (such as structural, functional, and spatial information, amino acid conservation, physicochemical variation, residue mobility, and thermodynamic stability) has been performed at Invitae for this missense variant, however the output from this modeling did not meet the statistical confidence thresholds required to predict the impact of this variant on WFS1 protein function. In summary, the available evidence is currently insufficient to determine the role of this variant in disease. Therefore, it has been classified as a Variant of Uncertain Significance.

NM_006005.3(WFS1):c.2057C>T (p.Thr686Ile)

Gene: WFS1 (wolframin ER transmembrane glycoprotein; plus strand). Cytogenetic location: 4p16.1.
Variant type: single nucleotide variant.
Coding change: c.2057C>T on transcript NM_006005.3 (MANE Select); coding-DNA position 2057, C replaced by T.
Protein change: p.Thr686Ile; replaces threonine 686 with isoleucine.
Molecular consequence: missense variant.
Genome position (GRCh38, 1-based): chr4:6,301,852, C>T. VCF-style: chr4-6301852-C-T. GRCh37 (hg19) VCF-style: chr4-6303579-C-T.
Other names: c.2057C>T, p.Thr686Ile (NM_001145853.1); short protein forms T686I.
Identifiers: ClinVar variation 3003312 (VCV003003312.4), dbSNP rs762044038, ClinGen allele CA2839584.